The following is an entry in ClinVar:

NM_001377.3(DYNC2H1):c.786del (p.Phe262fs)

Gene: DYNC2H1 (dynein cytoplasmic 2 heavy chain 1; plus strand). Cytogenetic location: 11q22.3.
Variant type: Deletion.
Coding change: c.786del on transcript NM_001377.3 (MANE Select); coding-DNA position 786, one base deleted (T; older notation c.786delT).
Protein change: p.Phe262fs; shifts the reading frame from phenylalanine 262.
Molecular consequence: frameshift variant.
Genome position (GRCh38, 1-based): chr11:103,117,650, T deleted; the last of 3 consecutive T bases (chr11:103,117,648-103,117,650); deleting any one gives the same sequence. VCF-style (leftmost placement, unchanged base first): chr11-103117647-GT-G. GRCh37 (hg19) VCF-style: chr11-102988376-GT-G.
Other names: c.786del, p.Phe262fs (NM_001080463.2); short protein forms F262fs.
Identifiers: ClinVar variation 5003943 (VCV005003943.1).

ClinVar aggregate classification (germline): Pathogenic (1 of 4 stars; one submission).

Conditions:
Asphyxiating thoracic dystrophy 3. Also called: Saldino-Noonan Syndrome; Short rib polydactyly syndrome 2B; SHORT-RIB THORACIC DYSPLASIA 3 WITH OR WITHOUT POLYDACTYLY; POLYDACTYLY WITH NEONATAL CHONDRODYSTROPHY, TYPE I; SHORT-RIB THORACIC DYSPLASIA 3/6 WITH POLYDACTYLY, DIGENIC. Identifiers: Orphanet 474, Orphanet 93269, Orphanet 93270, Orphanet 93271, MedGen C0036069, MONDO:0013127, OMIM 613091.

Submission:

Myriad Genetics, Inc.
Classification: Pathogenic for Asphyxiating thoracic dystrophy 3. Last evaluated: 2026-08-04. Review status: criteria provided, single submitter. Criteria: Myriad Autosomal Dominant, Autosomal Recessive and X-Linked Classification Criteria (2023). Collection method: clinical testing. Allele origin: unknown.
Comment: NM_001377.2(DYNC2H1):c.786delT(F262Lfs*9) is a frameshift variant classified as pathogenic in the context of DYNC2H1-related disorders. F262Lfs*9 has not been observed in cases with relevant disease. Relevant functional assessments of this variant are not available in the literature. F262Lfs*9 has not been observed in referenced population frequency databases. In summary, NM_001377.2(DYNC2H1):c.786delT(F262Lfs*9) is a frameshift variant in a gene where loss of function is a known mechanism of disease and is predicted to disrupt protein function. Please note: this variant was assessed in the context of healthy population screening.